The following is an entry in ClinVar:

NM_001606.5(ABCA2):c.671G>A (p.Arg224Gln)

Gene: ABCA2 (ATP binding cassette subfamily A member 2; minus strand). Cytogenetic location: 9q34.3.
Variant type: single nucleotide variant.
Coding change: c.671G>A on transcript NM_001606.5 (MANE Select); coding-DNA position 671, G replaced by A.
Protein change: p.Arg224Gln; replaces arginine 224 with glutamine.
Molecular consequence: missense variant.
Genome position (GRCh38, 1-based): chr9:137,021,898, C>T on the plus strand (G>A on the coding strand, the complement: ABCA2 is on the minus strand). VCF-style: chr9-137021898-C-T. GRCh37 (hg19) VCF-style: chr9-139916350-C-T.
Other names: c.668G>A, p.Arg223Gln (NM_001411042.1); c.761G>A, p.Arg254Gln (NM_212533.3); short protein forms R223Q, R224Q, R254Q.
Identifiers: ClinVar variation 5020184 (VCV005020184.1).
Genomic context (GRCh38, chr9:137,021,898, plus strand): 5'-ACCCCCAGAGGCAGGCAGCACTCCAGGCCCATCCCACACATGGATGCCCTCACCTCCATC[C>T]GGAACAGGGGATTGCCCCCTAGGCGGCTCCAGGGCTCCTGACCCTTGTGGAGGCCAGACT-3'
Protein context (NP_001597.2, residues 214-234): WSRLGGNPLF[Arg224Gln]MEELLLAPAL

ClinVar aggregate classification (germline): Uncertain significance (1 of 4 stars; one submission).

gnomAD v4.1: 397 of 1,595,872 alleles (0.025%); highest among the groups gnomAD compares: East Asian, 0.28%; 1 homozygote.

Submission:

Dasa
Classification: Uncertain significance. Last evaluated: 2026-07-17. Review status: criteria provided, single submitter. Criteria: DASA Assertion Criteria. Collection method: clinical testing. Allele origin: germline.
Comment: NM_001606.5(ABCA2):c.671G>A (p.Arg224Gln) is a missense variant that results in the substitution of arginine with glutamine. This variant is rare in population databases. The currently available literature and clinical evidence are not sufficient to establish a definitive association between this variant and the reported condition. Therefore, this variant is classified as a variant of uncertain significance.